The following is an entry in ClinVar:

ClinVar aggregate classification (germline): Uncertain significance (1 of 4 stars; one submission).

Submission:

Ambry Genetics
Classification: Uncertain significance. Last evaluated: 2021-01-29. Review status: criteria provided, single submitter. Criteria: Ambry Variant Classification Scheme 2023. Collection method: clinical testing. Allele origin: germline.
Comment: The p.T263A variant (also known as c.787A>G), located in coding exon 7 of the KIF1B gene, results from an A to G substitution at nucleotide position 787. The threonine at codon 263 is replaced by alanine, an amino acid with similar properties. This amino acid position is highly conserved in available vertebrate species. In addition, the in silico prediction for this alteration is inconclusive. Since supporting evidence is limited at this time, the clinical significance of this alteration remains unclear.

NM_001365951.3(KIF1B):c.787A>G (p.Thr263Ala)

Gene: KIF1B (kinesin family member 1B; plus strand). Cytogenetic location: 1p36.22.
Variant type: single nucleotide variant.
Coding change: c.787A>G on transcript NM_001365951.3 (MANE Select); coding-DNA position 787, A replaced by G.
Protein change: p.Thr263Ala; replaces threonine 263 with alanine.
Molecular consequence: missense variant.
Genome position (GRCh38, 1-based): chr1:10,271,568, A>G. VCF-style: chr1-10271568-A-G. GRCh37 (hg19) VCF-style: chr1-10331626-A-G.
Other names: c.787A>G, p.Thr263Ala (NM_001365952.1, NM_001365953.1, NM_015074.3 and 1 more transcripts); short protein forms T263A.
Identifiers: ClinVar variation 1760985 (VCV001760985.2), dbSNP rs2521097598, ClinGen allele CA338331560.